The following is an entry in ClinVar:

ClinVar aggregate classification (germline): Likely benign. Review status: criteria provided, multiple submitters, no conflicts (2 of 4 stars). 2 submissions from 2 submitters: Likely benign (2). Last evaluated 2025-04-16.

Conditions:
Familial adenomatous polyposis 1 (FAP1). Also called: POLYPOSIS, ADENOMATOUS INTESTINAL; FAMILIAL ADENOMATOUS POLYPOSIS 1, ATTENUATED. Identifiers: MedGen C2713442, MONDO:0021056, OMIM 175100. Disease mechanism: loss of function.

Submissions (2):

Women's Health and Genetics/Laboratory Corporation of America, LabCorp
Classification: Likely benign. Last evaluated: 2025-04-16. Review status: criteria provided, single submitter. Criteria: LabCorp Variant Classification Summary - May 2015. Collection method: clinical testing. Allele origin: germline.
Comment: Variant summary: APC c.933+7G>A alters a conserved nucleotide located at a position not widely known to affect splicing. Consensus agreement among computation tools predict no significant impact on normal splicing. However, these predictions have yet to be confirmed by functional studies. The variant was absent in 251046 control chromosomes (gnomAD). The available data on variant occurrences in the general population are insufficient to allow any conclusion about variant significance. To our knowledge, no occurrence of c.933+7G>A in individuals affected with Familial Adenomatous Polyposis and no experimental evidence demonstrating its impact on protein function have been reported. ClinVar contains an entry for this variant (Variation ID: 632639). Based on the evidence outlined above, the variant was classified as likely benign.

Labcorp Genetics (formerly Invitae), Labcorp
Classification: Likely benign for Familial adenomatous polyposis 1. Last evaluated: 2024-06-10. Review status: criteria provided, single submitter. Criteria: Invitae Variant Classification Sherloc (09022015). Collection method: clinical testing. Allele origin: germline.

NM_000038.6(APC):c.933+7G>A

Gene: APC (APC regulator of Wnt signaling pathway; plus strand). Cytogenetic location: 5q22.2.
Variant type: single nucleotide variant.
Coding change: c.933+7G>A on transcript NM_000038.6 (MANE Select); 7 bases into the intron after coding-DNA position 933, G replaced by A.
Molecular consequence: intron variant.
Genome position (GRCh38, 1-based): chr5:112,815,600, G>A. VCF-style: chr5-112815600-G-A. GRCh37 (hg19) VCF-style: chr5-112151297-G-A.
Other names: c.933+7G>A (NM_001354895.2, NM_001127510.3, NM_001354896.2 and 1 more transcripts); c.963+7G>A (NM_001354897.2, NM_001354902.2); c.879+7G>A (NM_001127511.3); c.858+7G>A (NM_001354898.2, NM_001354904.2); c.84+7G>A (NM_001354906.2); c.849+7G>A (NM_001354899.2); c.756+7G>A (NM_001354900.2, NM_001354901.2, NM_001354905.2).
Identifiers: ClinVar variation 632639 (VCV000632639.6), dbSNP rs369087912, ClinGen allele CA913189876.